The following is an entry in ClinVar:

ClinVar aggregate classification (germline): Uncertain significance (1 of 4 stars; one submission).

gnomAD v4.1: 2 of 1,612,838 alleles (0.00012%); highest among the groups gnomAD compares: African/African-American, 0.0013%; no homozygotes.

Submissions (2):

GeneDx
Classification: Uncertain significance. Last evaluated: 2019-05-30. Review status: criteria provided, single submitter. Criteria: GeneDx Variant Classification Process June 2021. Collection method: clinical testing. Allele origin: germline. Affected: yes.
Comment: Not observed in large population cohorts (Lek et al., 2016); In silico analysis, which includes protein predictors and evolutionary conservation, supports a deleterious effect; Has not been previously published as pathogenic or benign to our knowledge

Dr. Peter K. Rogan Lab, Western University
No classification provided (evidence only). Condition: Familial prostate cancer. Review status: no classification provided. Collection method: in vitro. Allele origin: not applicable. Functional consequence: retained intron. Not counted in ClinVar's aggregate classification.

NM_001320.7(CSNK2B):c.565G>A (p.Gly189Ser)

Gene: CSNK2B (casein kinase 2 beta; plus strand). Cytogenetic location: 6p21.33.
Variant type: single nucleotide variant.
Coding change: c.565G>A on transcript NM_001320.7 (MANE Select); coding-DNA position 565, G replaced by A.
Protein change: p.Gly189Ser; replaces glycine 189 with serine.
Molecular consequence: missense variant.
Genome position (GRCh38, 1-based): chr6:31,669,843, G>A. VCF-style: chr6-31669843-G-A. GRCh37 (hg19) VCF-style: chr6-31637620-G-A.
Other names: NC_000006.11:g.31637620G>A; c.556G>A, p.Gly186Ser (NM_001282385.2); short protein forms G186S, G189S.
Identifiers: ClinVar variation 1305863 (VCV001305863.3), dbSNP rs2151189797, ClinGen allele CA363479457.
Genomic context (GRCh38, chr6:31,669,843, plus strand): 5'-AGGGCCTGGATGGGGCTCATGCTGCTGCCTCTCTGACCTCTGCCCTGGCCTAGGCTCTAC[G>A]GTTTCAAGATCCATCCGATGGCCTACCAGCTGCAGCTCCAAGCCGCCAGCAACTTCAAGA-3'
Protein context (NP_001311.3, residues 179-199): PANQFVPRLY[Gly189Ser]FKIHPMAYQL